The following is an entry in ClinVar:

ClinVar aggregate classification (germline): Uncertain significance (1 of 4 stars; one submission).
ClinVar aggregate classification (somatic clinical impact): Tier I - Strong (1 of 4 stars; one submission).

Conditions:
Hereditary cancer-predisposing syndrome. Also called: Hereditary neoplastic syndrome; Hereditary Cancer Syndrome; Neoplastic Syndromes, Hereditary; Tumor predisposition. Identifiers: Orphanet 140162, MedGen C0027672, MeSH D009386, MONDO:0015356.
Diffuse midline glioma, H3 K27M-mutant. Identifiers: MedGen C4289688, MONDO:0957196.

Submissions (2):

Institute for Genomic Medicine (IGM) Clinical Laboratory, Nationwide Children's Hospital
Classification: Tier I - Strong for Diffuse midline glioma, H3 K27M-mutant. Assertion type: diagnostic. Clinical significance: supports diagnosis. Last evaluated: 2024-02-23. Review status: criteria provided, single submitter. Criteria: AMP/ASCO/CAP Guidelines, 2017. Collection method: clinical testing. Allele origin: somatic. Affected: yes.
Comment: Variant has Tier I (strong) clinical significance as a diagnostic inclusion criterion in diffuse midline glioma, H3 K27M-mutant, based on the following evidence: 1) Documented in one or more cancer databases (e.g., St. Jude Pecan, COSMIC, CIViC, OncoKB). 2) Appears in one or more well-established professional guidelines (e.g., World Health Organization [WHO]; National Comprehensive Cancer Network [NCCN]) as providing diagnostic, prognostic, or therapeutic information. 3) Information in the literature supports potential biologic effect of variant (PMID: 15928335). 4) Diagnostic for a specific tumor type/classification based on well-powered studies with expert-level consensus (Evidence Level B; PMIDs: 24705251, 25230881, 27582545, 28966033, 29763623).

Ambry Genetics
Classification: Uncertain significance for Hereditary cancer-predisposing syndrome. Last evaluated: 2023-03-21. Review status: criteria provided, single submitter. Criteria: Ambry Variant Classification Scheme 2023. Collection method: clinical testing. Allele origin: germline.
Comment: The p.Y849C variant (also known as c.2546A>G), located in coding exon 17 of the PDGFRA gene, results from an A to G substitution at nucleotide position 2546. The tyrosine at codon 849 is replaced by cysteine, an amino acid with highly dissimilar properties. This amino acid position is highly conserved in available vertebrate species. In addition, this alteration is predicted to be deleterious by in silico analysis. Since supporting evidence is limited at this time, the clinical significance of this alteration remains unclear.

Literature cited by the submitters: PubMed 15928335 (cited by Institute for Genomic Medicine (IGM) Clinical Laboratory, Nationwide Children's Hospital); PubMed 24705251 (cited by Institute for Genomic Medicine (IGM) Clinical Laboratory, Nationwide Children's Hospital); PubMed 25230881 (cited by Institute for Genomic Medicine (IGM) Clinical Laboratory, Nationwide Children's Hospital); PubMed 27582545 (cited by Institute for Genomic Medicine (IGM) Clinical Laboratory, Nationwide Children's Hospital); PubMed 28966033 (cited by Institute for Genomic Medicine (IGM) Clinical Laboratory, Nationwide Children's Hospital); PubMed 29763623 (cited by Institute for Genomic Medicine (IGM) Clinical Laboratory, Nationwide Children's Hospital).

NM_006206.6(PDGFRA):c.2546A>G (p.Tyr849Cys)

Gene: PDGFRA (platelet derived growth factor receptor alpha; plus strand). Cytogenetic location: 4q12.
Variant type: single nucleotide variant.
Coding change: c.2546A>G on transcript NM_006206.6 (MANE Select); coding-DNA position 2546, A replaced by G.
Protein change: p.Tyr849Cys; replaces tyrosine 849 with cysteine.
Molecular consequence: missense variant.
Genome position (GRCh38, 1-based): chr4:54,285,947, A>G. VCF-style: chr4-54285947-A-G. GRCh37 (hg19) VCF-style: chr4-55152114-A-G.
Other names: c.2621A>G, p.Tyr874Cys (NM_001347828.2); c.2546A>G, p.Tyr849Cys (NM_001347829.2); c.2585A>G, p.Tyr862Cys (NM_001347830.2); short protein forms Y849C, Y874C, Y862C.
Identifiers: ClinVar variation 2568074 (VCV002568074.3), dbSNP rs2110338334, ClinGen allele CA356895079.
Genomic context (GRCh38, chr4:54,285,947, plus strand): 5'-GAAAAATTGTGAAGATCTGTGACTTTGGCCTGGCCAGAGACATCATGCATGATTCGAACT[A>G]TGTGTCGAAAGGCAGTGTACGTCCTCACTTCCCTCACTGGTCAGGCTCATCCTCCTTCAC-3'
Protein context (NP_006197.1, residues 839-859): LARDIMHDSN[Tyr849Cys]VSKGSTFLPV